The following is an entry in ClinVar:

ClinVar aggregate classification (germline): Likely benign (1 of 4 stars; one submission).

Conditions:
FHOD3-related disorder. Also called: FHOD3-related condition.

Submission:

PreventionGenetics, part of Exact Sciences
Classification: Likely benign for FHOD3-related condition. Last evaluated: 2025-12-17. Review status: criteria provided, single submitter. Criteria: ACMG Guidelines, 2015. Collection method: clinical testing. Allele origin: germline.
Comment: This variant is classified as likely benign based on ACMG/AMP sequence variant interpretation guidelines (Richards et al. 2015 PMID: 25741868, with internal and published modifications).

NM_001281740.3(FHOD3):c.3760-10del

Gene: FHOD3 (formin homology 2 domain containing 3; plus strand). Cytogenetic location: 18q12.2.
Variant type: Deletion.
Coding change: c.3760-10del on transcript NM_001281740.3 (MANE Select); 10 bases into the intron before coding-DNA position 3760, one base deleted (T; older notation c.3760-10delT).
Molecular consequence: intron variant.
Genome position (GRCh38, 1-based): chr18:36,742,727, T deleted; the last of 9 consecutive T bases (chr18:36,742,719-36,742,727); deleting any one gives the same sequence. VCF-style (leftmost placement, unchanged base first): chr18-36742718-AT-A. GRCh37 (hg19) VCF-style: chr18-34322681-AT-A.
Other names: c.3235-10del (NM_025135.5); c.3184-10del (NM_001281739.3).
Identifiers: ClinVar variation 4990678 (VCV004990678.1).